The following is an entry in ClinVar:

ClinVar aggregate classification (germline): Uncertain significance (1 of 4 stars; one submission).

Conditions:
Developmental and epileptic encephalopathy, 30 (DEE30). Also called: Epileptic encephalopathy, early infantile, 30. Identifiers: MedGen C4225360, MONDO:0014595, OMIM 616341.

Submission:

Labcorp Genetics (formerly Invitae), Labcorp
Classification: Uncertain significance for Developmental and epileptic encephalopathy, 30. Last evaluated: 2021-09-28. Review status: criteria provided, single submitter. Criteria: Invitae Variant Classification Sherloc (09022015). Collection method: clinical testing. Allele origin: germline.
Comment: This sequence change replaces lysine with arginine at codon 70 of the SIK1 protein (p.Lys70Arg). The lysine residue is highly conserved and there is a small physicochemical difference between lysine and arginine. This variant is not present in population databases (ExAC no frequency). This variant has not been reported in the literature in individuals affected with SIK1-related conditions. Algorithms developed to predict the effect of missense changes on protein structure and function are either unavailable or do not agree on the potential impact of this missense change (SIFT: "Deleterious"; PolyPhen-2: "Probably Damaging"; Align-GVGD: "Class C0"). In summary, the available evidence is currently insufficient to determine the role of this variant in disease. Therefore, it has been classified as a Variant of Uncertain Significance.

NM_173354.5(SIK1):c.209A>G (p.Lys70Arg)

Gene: SIK1 (salt inducible kinase 1; minus strand). Cytogenetic location: 21q22.3.
Variant type: single nucleotide variant.
Coding change: c.209A>G on transcript NM_173354.5 (MANE Select); coding-DNA position 209, A replaced by G.
Protein change: p.Lys70Arg; replaces lysine 70 with arginine.
Molecular consequence: missense variant.
Genome position (GRCh38, 1-based): chr21:43,425,471, T>C on the plus strand (A>G on the coding strand, the complement: SIK1 is on the minus strand). VCF-style: chr21-43425471-T-C. GRCh37 (hg19) VCF-style: chr21-44845351-T-C.
Other names: short protein forms K70R.
Identifiers: ClinVar variation 1376388 (VCV001376388.6), dbSNP rs2146476029, ClinGen allele CA410610760.